The following is an entry in ClinVar:

ClinVar aggregate classification (germline): Uncertain significance. Review status: criteria provided, multiple submitters, no conflicts (2 of 4 stars). 6 submissions from 6 submitters: Uncertain significance (6). Last evaluated 2026-01-18.

Conditions:
Cardiomyopathy (CMYO). Also called: Cardiomyopathies. Identifiers: Orphanet 167848, MedGen C0878544, MONDO:0004994, HP:0001638. Inheritance: Various modes of inheritance.
Cardiovascular phenotype. Identifiers: MedGen CN230736.
Hypertrophic cardiomyopathy. Also called: HYPERTROPHIC MYOCARDIOPATHY. Identifiers: Orphanet 217569, MedGen C0007194, MeSH D002312, MONDO:0005045, HP:0001639.

Allele frequency attached by ClinVar (database versions not stated): gnomAD exomes below 0.00001; TOPMed below 0.00001; gnomAD 0.00001.
gnomAD v4.1: 3 of 1,613,662 alleles (0.00019%); highest among the groups gnomAD compares: Middle Eastern, 0.033%; no homozygotes.

Submissions (6):

Labcorp Genetics (formerly Invitae), Labcorp
Classification: Uncertain significance for Hypertrophic cardiomyopathy. Last evaluated: 2026-01-18. Review status: criteria provided, single submitter. Criteria: Invitae Variant Classification Sherloc (09022015). Collection method: clinical testing. Allele origin: germline.
Comment: This sequence change replaces lysine, which is basic and polar, with arginine, which is basic and polar, at codon 9 of the MYL3 protein (p.Lys9Arg). This variant is not present in population databases (gnomAD no frequency). This missense change has been observed in individual(s) with hypertrophic cardiomyopathy (PMID: 37652022). ClinVar contains an entry for this variant (Variation ID: 373705). Experimental studies and prediction algorithms are not available or were not evaluated, and the functional significance of this variant is currently unknown. In summary, the available evidence is currently insufficient to determine the role of this variant in disease. Therefore, it has been classified as a Variant of Uncertain Significance.

All of Us Research Program, National Institutes of Health
Classification: Uncertain significance for Hypertrophic cardiomyopathy. Last evaluated: 2024-07-29. Review status: criteria provided, single submitter. Criteria: ACMG Guidelines, 2015. Collection method: clinical testing. Allele origin: germline. Inheritance: Autosomal dominant inheritance. Observed: 2 variant alleles, 2 heterozygotes.
Comment: This missense variant replaces lysine with arginine at codon 9 of the MYL3 protein. Computational prediction suggests that this variant may not impact protein structure and function (internally defined REVEL score threshold <= 0.5, PMID: 27666373). To our knowledge, functional studies have not been reported for this variant. This variant has not been reported in individuals affected with cardiovascular disorders in the literature. This variant has not been identified in the general population by the Genome Aggregation Database (gnomAD). The available evidence is insufficient to determine the role of this variant in disease conclusively. Therefore, this variant is classified as a Variant of Uncertain Significance.

This study involves interpretation of variants in research participants for the purpose of population health screening. Participant phenotype was not available at the time of variant classification. Additional details can be found in publication PMID: 35346344, PMCID: PMC8962531

Color Diagnostics, LLC DBA Color Health
Classification: Uncertain significance for Cardiomyopathy. Last evaluated: 2024-03-06. Review status: criteria provided, single submitter. Criteria: ACMG Guidelines, 2015. Collection method: clinical testing. Allele origin: germline.
Comment: This missense variant replaces lysine with arginine at codon 9 of the MYL3 protein. Computational prediction suggests that this variant may not impact protein structure and function (internally defined REVEL score threshold <= 0.5, PMID: 27666373). To our knowledge, functional studies have not been reported for this variant. This variant has not been reported in individuals affected with MYL3-related disorders in the literature. This variant has not been identified in the general population by the Genome Aggregation Database (gnomAD). The available evidence is insufficient to determine the role of this variant in disease conclusively. Therefore, this variant is classified as a Variant of Uncertain Significance.

Ambry Genetics
Classification: Uncertain significance for Cardiovascular phenotype. Last evaluated: 2024-03-01. Review status: criteria provided, single submitter. Criteria: Ambry Variant Classification Scheme 2023. Collection method: clinical testing. Allele origin: germline.
Comment: The p.K9R variant (also known as c.26A>G), located in coding exon 1 of the MYL3 gene, results from an A to G substitution at nucleotide position 26. The lysine at codon 9 is replaced by arginine, an amino acid with highly similar properties. This amino acid position is conserved. In addition, the in silico prediction for this alteration is inconclusive. Based on the available evidence, the clinical significance of this alteration remains unclear.

Mayo Clinic Laboratories, Mayo Clinic
Classification: Uncertain significance. Last evaluated: 2020-06-09. Review status: criteria provided, single submitter. Criteria: ACMG Guidelines, 2015. Collection method: clinical testing. Allele origin: germline. Observed: 1 variant allele.

GeneDx
Classification: Uncertain significance. Last evaluated: 2016-12-07. Review status: criteria provided, single submitter. Criteria: GeneDx Variant Classification (06012015). Collection method: clinical testing. Allele origin: germline. Affected: yes.
Comment: A variant of uncertain significance has been identified in the MYL3 gene. The K9R variant has not been published as a pathogenic variant, nor has it been reported as a benign variant to our knowledge. This variant was not observed in the Exome Aggregation Consortium data set. However, the K9R variant is a conservative amino acid substitution, which is not likely to impact secondary protein structure as these residues share similar properties. This substitution occurs at a position that is not conserved across species and in silico analysis is inconsistent in its predictions as to whether or not the variant is damaging to the protein structure/function.

Literature cited by the submitters: PubMed 37652022 (cited by Labcorp Genetics (formerly Invitae), Labcorp).

NM_000258.3(MYL3):c.26A>G (p.Lys9Arg)

Gene: MYL3 (myosin light chain 3; minus strand). Cytogenetic location: 3p21.31.
Variant type: single nucleotide variant.
Coding change: c.26A>G on transcript NM_000258.3 (MANE Select); coding-DNA position 26, A replaced by G.
Protein change: p.Lys9Arg; replaces lysine 9 with arginine.
Molecular consequence: missense variant.
Genome position (GRCh38, 1-based): chr3:46,863,365, T>C on the plus strand (A>G on the coding strand, the complement: MYL3 is on the minus strand). VCF-style: chr3-46863365-T-C. GRCh37 (hg19) VCF-style: chr3-46904855-T-C.
Other names: short protein forms K9R.
Identifiers: ClinVar variation 373705 (VCV000373705.20), dbSNP rs1025864971, ClinGen allele CA16042505.